The following is an entry in ClinVar:

NM_000256.3(MYBPC3):c.773-11_773-10dup

Gene: MYBPC3 (myosin binding protein C3; minus strand). Cytogenetic location: 11p11.2.
Variant type: Duplication.
Coding change: c.773-11_773-10dup on transcript NM_000256.3 (MANE Select); 11 bases into the intron before coding-DNA position 773 through 10 bases into the intron before coding-DNA position 773, 2 bases duplicated (TT; older notation c.773-11_773-10dupTT).
Molecular consequence: intron variant.
Genome position (GRCh38, 1-based): chr11:47,347,914-47,347,915, AA duplicated on the plus strand (TT on the coding strand, the reverse complement: MYBPC3 is on the minus strand); duplicating any 2 consecutive bases within chr11:47,347,914-47,347,916 gives the same sequence; the c. name uses the placement nearest the transcript's 3' end. VCF-style (leftmost placement, unchanged base first): chr11-47347913-C-CAA. GRCh37 (hg19) VCF-style: chr11-47369464-C-CAA.
Other names: c.773-10_773-9dup (NM_000256.3).
Identifiers: ClinVar variation 919841 (VCV000919841.10), dbSNP rs2095896066, ClinGen allele CA1139661940.
Genomic context (GRCh38, chr11:47,347,913, plus strand): 5'-TCACGTGCGGCGGAAGGCTGATAGGAGGTCCAGGTCTCCGGTGCCCATGGCCTCTGGGTT[C>CAA]AAAGGGTGGAGAGATGGGGGAAGGGGCTTCAGAGGGGGCCGTTTGAGAAGCCCTGCCCTG-3'

ClinVar aggregate classification (germline): Likely benign. Review status: criteria provided, multiple submitters, no conflicts (2 of 4 stars). 3 submissions from 3 submitters: Likely benign (3). Last evaluated 2023-08-15.

Conditions:
Cardiomyopathy (CMYO). Also called: Cardiomyopathies. Identifiers: Orphanet 167848, MedGen C0878544, MONDO:0004994, HP:0001638. Inheritance: Various modes of inheritance.
Hypertrophic cardiomyopathy. Also called: HYPERTROPHIC MYOCARDIOPATHY. Identifiers: Orphanet 217569, MedGen C0007194, MeSH D002312, MONDO:0005045, HP:0001639.

Submissions (3):

All of Us Research Program, National Institutes of Health
Classification: Likely benign for Hypertrophic cardiomyopathy. Last evaluated: 2023-08-15. Review status: criteria provided, single submitter. Criteria: ACMG Guidelines, 2015. Collection method: clinical testing. Allele origin: germline. Inheritance: Autosomal dominant inheritance. Observed: 1 variant allele, 1 heterozygote.
Comment: This study involves interpretation of variants in research participants for the purpose of population health screening. Participant phenotype was not available at the time of variant classification. Additional details can be found in publication PMID: 35346344, PMCID: PMC8962531

Labcorp Genetics (formerly Invitae), Labcorp
Classification: Likely benign for Hypertrophic cardiomyopathy. Last evaluated: 2021-05-04. Review status: criteria provided, single submitter. Criteria: Invitae Variant Classification Sherloc (09022015). Collection method: clinical testing. Allele origin: germline.

Color Diagnostics, LLC DBA Color Health
Classification: Likely benign for Cardiomyopathy. Last evaluated: 2019-06-18. Review status: criteria provided, single submitter. Criteria: ACMG Guidelines, 2015. Collection method: clinical testing. Allele origin: germline.